The following is an entry in ClinVar:

NM_014639.4(SKIC3):c.3452A>G (p.His1151Arg)

Gene: SKIC3 (SKI3 subunit of superkiller complex; minus strand). Cytogenetic location: 5q15.
Variant type: single nucleotide variant.
Coding change: c.3452A>G on transcript NM_014639.4 (MANE Select); coding-DNA position 3452, A replaced by G.
Protein change: p.His1151Arg; replaces histidine 1151 with arginine.
Molecular consequence: missense variant.
Genome position (GRCh38, 1-based): chr5:95,498,481, T>C on the plus strand (A>G on the coding strand, the complement: SKIC3 is on the minus strand). VCF-style: chr5-95498481-T-C. GRCh37 (hg19) VCF-style: chr5-94834185-T-C.
Other names: short protein forms H1151R.
Identifiers: ClinVar variation 1906810 (VCV001906810.2), dbSNP rs1561334617, ClinGen allele CA360450877.
Genomic context (GRCh38, chr5:95,498,481, plus strand): 5'-AGTGCATAAATCGCTGATGTAAGAAGGCACCTCTGATAATTACTGTCTTTGTGTTTGATG[T>C]GCTTCAGTAACTCATTAAGTGCTGCTTTTGACAGTGTAGCATCCTGCATTGCCAACCCTA-3'
Protein context (NP_055454.1, residues 1141-1161): SKAALNELLK[His1151Arg]IKHKDSNYQR

ClinVar aggregate classification (germline): Uncertain significance (1 of 4 stars; one submission).

Allele frequency attached by ClinVar (database versions not stated): gnomAD exomes below 0.00001; gnomAD 0.00001.
gnomAD v4.1: 2 of 1,614,092 alleles (0.00012%); highest among the groups gnomAD compares: Non-Finnish European, 0.00017%; no homozygotes.

Submission:

Labcorp Genetics (formerly Invitae), Labcorp
Classification: Uncertain significance. Last evaluated: 2022-02-05. Review status: criteria provided, single submitter. Criteria: Invitae Variant Classification Sherloc (09022015). Collection method: clinical testing. Allele origin: germline.
Comment: This sequence change replaces histidine, which is basic and polar, with arginine, which is basic and polar, at codon 1151 of the TTC37 protein (p.His1151Arg). This variant is not present in population databases (gnomAD no frequency). This variant has not been reported in the literature in individuals affected with TTC37-related conditions. Algorithms developed to predict the effect of missense changes on protein structure and function output the following: SIFT: "Tolerated"; PolyPhen-2: "Benign"; Align-GVGD: "Class C0". The arginine amino acid residue is found in multiple mammalian species, which suggests that this missense change does not adversely affect protein function. In summary, the available evidence is currently insufficient to determine the role of this variant in disease. Therefore, it has been classified as a Variant of Uncertain Significance.